The following is an entry in ClinVar:

NM_000218.3(KCNQ1):c.1876G>C (p.Gly626Arg)

Genes: KCNQ1 (potassium voltage-gated channel subfamily Q member 1; plus strand), KCNQ1-AS1 (KCNQ1 antisense RNA 1; minus strand). Cytogenetic location: 11p15.4.
Variant type: single nucleotide variant.
Coding change: c.1876G>C on transcript NM_000218.3 (MANE Select); coding-DNA position 1876, G replaced by C.
Protein change: p.Gly626Arg; replaces glycine 626 with arginine.
Molecular consequence: missense variant.
Genome position (GRCh38, 1-based): chr11:2,847,848, G>C. VCF-style: chr11-2847848-G-C. GRCh37 (hg19) VCF-style: chr11-2869078-G-C.
Other names: c.1780G>C, p.Gly594Arg (NM_001406836.1); c.1606G>C, p.Gly536Arg (NM_001406837.1); c.1336G>C, p.Gly446Arg (NM_001406838.1); c.388G>C, p.Gly130Arg (NM_001406839.1); c.1495G>C, p.Gly499Arg (NM_181798.2); short protein forms G499R, G626R, G130R, G594R, G446R, G536R.
Identifiers: ClinVar variation 2855030 (VCV002855030.3), dbSNP rs199472821, ClinGen allele CA379140342.

ClinVar aggregate classification (germline): Uncertain significance (1 of 4 stars; one submission).

Conditions:
Long QT syndrome (LQTS). Identifiers: MedGen C0023976, MeSH D008133, MONDO:0002442. Disease mechanism: loss of function. Inheritance: Various modes of inheritance.

Submission:

Labcorp Genetics (formerly Invitae), Labcorp
Classification: Uncertain significance for Long QT syndrome. Last evaluated: 2023-04-11. Review status: criteria provided, single submitter. Criteria: Invitae Variant Classification Sherloc (09022015). Collection method: clinical testing. Allele origin: germline.
Comment: In summary, the available evidence is currently insufficient to determine the role of this variant in disease. Therefore, it has been classified as a Variant of Uncertain Significance. Advanced modeling of protein sequence and biophysical properties (such as structural, functional, and spatial information, amino acid conservation, physicochemical variation, residue mobility, and thermodynamic stability) performed at Invitae indicates that this missense variant is not expected to disrupt KCNQ1 protein function. This variant has not been reported in the literature in individuals affected with KCNQ1-related conditions. This variant is not present in population databases (gnomAD no frequency). This sequence change replaces glycine, which is neutral and non-polar, with arginine, which is basic and polar, at codon 626 of the KCNQ1 protein (p.Gly626Arg).